The following is an entry in ClinVar:

ClinVar aggregate classification (germline): Conflicting classifications of pathogenicity. Review status: criteria provided, conflicting classifications (1 of 4 stars). 5 submissions from 5 submitters: Uncertain significance (4); Likely benign (1). Last evaluated 2024-09-23.

Conditions:
Hereditary cancer-predisposing syndrome. Also called: Neoplastic Syndromes, Hereditary; Tumor predisposition; Hereditary Cancer Syndrome; Hereditary neoplastic syndrome. Identifiers: Orphanet 140162, MedGen C0027672, MeSH D009386, MONDO:0015356.
Familial cancer of breast. Also called: BREAST CANCER, FAMILIAL; Hereditary breast cancer; hereditary breast carcinoma. Identifiers: Orphanet 227535, MedGen C0346153, MONDO:0016419, OMIM 114480. Disease mechanism: loss of function.

gnomAD v4.1: 3 of 1,614,202 alleles (0.00019%); highest among the groups gnomAD compares: Non-Finnish European, 0.00025%; no homozygotes.

Submissions (5):

Quest Diagnostics Nichols Institute San Juan Capistrano
Classification: Uncertain significance. Last evaluated: 2024-09-23. Review status: criteria provided, single submitter. Criteria: Quest Diagnostics criteria. Collection method: clinical testing. Allele origin: unknown.
Comment: The BARD1 c.2104A>G (p.Ile702Val) variant has been reported in the published literature in an individual with breast cancer (PMID: 25186627 (2015)). This variant has also been identified in a prostate cancer tumor sample (PMID: 36922933 (2022)). This variant has not been reported in large, multi-ethnic general populations (Genome Aggregation Database). Analysis of this variant using bioinformatics tools for the prediction of the effect of amino acid changes on protein structure and function yielded predictions that this variant is benign. Based on the available information, we are unable to determine the clinical significance of this variant.

Labcorp Genetics (formerly Invitae), Labcorp
Classification: Uncertain significance for Familial cancer of breast. Last evaluated: 2023-08-02. Review status: criteria provided, single submitter. Criteria: Invitae Variant Classification Sherloc (09022015). Collection method: clinical testing. Allele origin: germline.
Comment: In summary, the available evidence is currently insufficient to determine the role of this variant in disease. Therefore, it has been classified as a Variant of Uncertain Significance. Algorithms developed to predict the effect of missense changes on protein structure and function output the following: SIFT: "Not Available"; PolyPhen-2: "Benign"; Align-GVGD: "Not Available". The valine amino acid residue is found in multiple mammalian species, which suggests that this missense change does not adversely affect protein function. ClinVar contains an entry for this variant (Variation ID: 142373). This variant has not been reported in the literature in individuals affected with BARD1-related conditions. This variant is not present in population databases (gnomAD no frequency). This sequence change replaces isoleucine, which is neutral and non-polar, with valine, which is neutral and non-polar, at codon 702 of the BARD1 protein (p.Ile702Val).

Ambry Genetics
Classification: Likely benign for Hereditary cancer-predisposing syndrome. Last evaluated: 2022-06-15. Review status: criteria provided, single submitter. Criteria: Ambry Variant Classification Scheme 2023. Collection method: clinical testing. Allele origin: germline.

Color Diagnostics, LLC DBA Color Health
Classification: Uncertain significance for Hereditary cancer-predisposing syndrome. Last evaluated: 2021-01-19. Review status: criteria provided, single submitter. Criteria: ACMG Guidelines, 2015. Collection method: clinical testing. Allele origin: germline.
Comment: This missense variant replaces isoleucine with valine at codon 702 of the BARD1 protein. Computational prediction suggests that this variant may not impact protein structure and function (internally defined REVEL score threshold <= 0.5, PMID: 27666373). To our knowledge, functional studies have not been reported for this variant. This variant has not been reported in individuals affected with hereditary cancer in the literature. This variant has not been identified in the general population by the Genome Aggregation Database (gnomAD). The available evidence is insufficient to determine the role of this variant in disease conclusively. Therefore, this variant is classified as a Variant of Uncertain Significance.

GeneDx
Classification: Uncertain significance. Last evaluated: 2020-09-17. Review status: criteria provided, single submitter. Criteria: GeneDx Variant Classification Process June 2021. Collection method: clinical testing. Allele origin: germline. Affected: yes.
Comment: Not observed in large population cohorts (Lek 2016); In silico analysis supports that this missense variant does not alter protein structure/function; Has not been previously published as pathogenic or benign to our knowledge

Literature cited by the submitters: PubMed 25186627 (cited by Quest Diagnostics Nichols Institute San Juan Capistrano); PubMed 36922933 (cited by Quest Diagnostics Nichols Institute San Juan Capistrano).

NM_000465.4(BARD1):c.2104A>G (p.Ile702Val)

Gene: BARD1 (BRCA1 associated RING domain 1; minus strand). Cytogenetic location: 2q35.
Variant type: single nucleotide variant.
Coding change: c.2104A>G on transcript NM_000465.4 (MANE Select); coding-DNA position 2104, A replaced by G.
Protein change: p.Ile702Val; replaces isoleucine 702 with valine.
Molecular consequence: missense variant. On other transcripts: non-coding transcript variant (3).
Genome position (GRCh38, 1-based): chr2:214,728,906, T>C on the plus strand (A>G on the coding strand, the complement: BARD1 is on the minus strand). VCF-style: chr2-214728906-T-C. GRCh37 (hg19) VCF-style: chr2-215593630-T-C.
Other names: c.2047A>G, p.Ile683Val (NM_001282543.2); c.751A>G, p.Ile251Val (NM_001282545.2); c.694A>G, p.Ile232Val (NM_001282548.2); c.565A>G, p.Ile189Val (NM_001282549.2); short protein forms I702V, I251V, I683V, I189V, I232V.
Identifiers: ClinVar variation 142373 (VCV000142373.20), dbSNP rs587782415, ClinGen allele CA168186.